The following is an entry in ClinVar:

ClinVar aggregate classification (germline): Uncertain significance (1 of 4 stars; one submission).

gnomAD v4.1: 1 of 1,614,152 alleles (0.000062%); highest among the groups gnomAD compares: Non-Finnish European, 0.000085%; no homozygotes.

Submission:

GeneDx
Classification: Uncertain significance. Last evaluated: 2024-06-24. Review status: criteria provided, single submitter. Criteria: GeneDx Variant Classification Process June 2021. Collection method: clinical testing. Allele origin: germline. Affected: yes.
Comment: Not observed at significant frequency in large population cohorts (gnomAD); In silico analysis supports that this missense variant has a deleterious effect on protein structure/function; Has not been previously published as pathogenic or benign to our knowledge

NM_002742.3(PRKD1):c.1051G>A (p.Glu351Lys)

Gene: PRKD1 (protein kinase D1; minus strand). Cytogenetic location: 14q12.
Variant type: single nucleotide variant.
Coding change: c.1051G>A on transcript NM_002742.3 (MANE Select); coding-DNA position 1051, G replaced by A.
Protein change: p.Glu351Lys; replaces glutamic acid 351 with lysine.
Molecular consequence: missense variant.
Genome position (GRCh38, 1-based): chr14:29,636,429, C>T on the plus strand (G>A on the coding strand, the complement: PRKD1 is on the minus strand). VCF-style: chr14-29636429-C-T. GRCh37 (hg19) VCF-style: chr14-30105635-C-T.
Other names: c.1075G>A, p.Glu359Lys (NM_001330069.2); c.787G>A, p.Glu263Lys (NM_001348390.1); short protein forms E263K, E351K, E359K.
Identifiers: ClinVar variation 3392647 (VCV003392647.1).